The following is an entry in ClinVar:

ClinVar aggregate classification (germline): Conflicting classifications of pathogenicity. Review status: criteria provided, conflicting classifications (1 of 4 stars). 9 submissions from 9 submitters: Uncertain significance (3); Likely benign (5). 1 of the submissions does not count toward it. Last evaluated 2026-02-03.

Conditions:
DYSF-related disorder. Also called: DYSF-related condition; DYSF-related disorders.
Neuromuscular disease caused by qualitative or quantitative defects of dysferlin. Also called: Dysferlinopathy; Qualitative or quantitative defects of dysferlin. Identifiers: Orphanet 207073, MedGen C2931687, MONDO:0016145.

Allele frequency attached by ClinVar (database versions not stated): gnomAD 0.00032 and 0.00036; TOPMed 0.00034; gnomAD exomes 0.00039 and 0.00069; ExAC 0.00044; ESP Exome Variant Server 0.00046.
gnomAD v4.1: 1,040 of 1,613,888 alleles (0.064%); highest among the groups gnomAD compares: Non-Finnish European, 0.085%; 2 homozygotes.

Submissions (9):

Labcorp Genetics (formerly Invitae), Labcorp
Classification: Likely benign for Neuromuscular disease caused by qualitative or quantitative defects of dysferlin. Last evaluated: 2026-02-03. Review status: criteria provided, single submitter. Criteria: Invitae Variant Classification Sherloc (09022015). Collection method: clinical testing. Allele origin: germline.

Mayo Clinic Laboratories, Mayo Clinic
Classification: Likely benign. Last evaluated: 2025-01-21. Review status: criteria provided, single submitter. Criteria: ACMG Guidelines, 2015. Collection method: clinical testing. Allele origin: germline. Observed: 1 variant allele.
Comment: BP4, BP7

Blueprint Genetics
Classification: Likely benign. Last evaluated: 2024-11-04. Review status: criteria provided, single submitter. Criteria: ACMG Guidelines, 2015. Collection method: clinical testing. Allele origin: germline.

CeGaT Center for Human Genetics Tuebingen
Classification: Likely benign. Last evaluated: 2023-07-01. Review status: criteria provided, single submitter. Criteria: CeGaT Center For Human Genetics Tuebingen Variant Classification Criteria Version 2. Collection method: clinical testing. Allele origin: germline. Affected: yes. Observed: 2 variant alleles.
Comment: DYSF: BP4, BP7

GeneDx
Classification: Likely benign. Last evaluated: 2021-04-06. Review status: criteria provided, single submitter. Criteria: GeneDx Variant Classification Process June 2021. Collection method: clinical testing. Allele origin: germline. Affected: yes.
Comment: This variant is associated with the following publications: (PMID: 26467025, 18853459)

Athena Diagnostics
Classification: Uncertain significance. Last evaluated: 2018-07-12. Review status: criteria provided, single submitter. Criteria: Athena Diagnostics Criteria. Collection method: clinical testing. Allele origin: germline.

Illumina Laboratory Services, Illumina
Classification: Uncertain significance for Qualitative or quantitative defects of dysferlin. Last evaluated: 2018-01-13. Review status: criteria provided, single submitter. Criteria: ICSL Variant Classification Criteria 13 December 2019. Collection method: clinical testing. Allele origin: germline.

Eurofins Ntd Llc (ga)
Classification: Uncertain significance. Last evaluated: 2017-01-13. Review status: criteria provided, single submitter. Criteria: EGL Classification Definitions 2015. Collection method: clinical testing. Allele origin: germline. Observed: 7 variant alleles, 7 heterozygotes.

PreventionGenetics, part of Exact Sciences
Classification: Likely benign for DYSF-related condition. Last evaluated: 2023-05-16. Review status: no assertion criteria provided. Collection method: clinical testing. Allele origin: germline. Not counted in ClinVar's aggregate classification.
Comment: This variant is classified as likely benign based on ACMG/AMP sequence variant interpretation guidelines (Richards et al. 2015 PMID: 25741868, with internal and published modifications).

Literature cited by the submitters: PubMed 18853459 (cited by Mayo Clinic Laboratories, Mayo Clinic and Athena Diagnostics).

NM_001130987.2(DYSF):c.4143C>T (p.Gly1381=)

Gene: DYSF (dysferlin; plus strand). Cytogenetic location: 2p13.2.
Variant type: single nucleotide variant.
Coding change: c.4143C>T on transcript NM_001130987.2 (MANE Select); coding-DNA position 4143, C replaced by T.
Protein change: p.Gly1381=; no amino-acid change (glycine 1381 retained).
Molecular consequence: synonymous variant.
Genome position (GRCh38, 1-based): chr2:71,611,548, C>T. VCF-style: chr2-71611548-C-T. GRCh37 (hg19) VCF-style: chr2-71838678-C-T.
Other names: p.Gly1363=; c.4092C>T, p.Gly1364= (NM_001130455.2, NM_001130983.2); c.4047C>T, p.Gly1349= (NM_001130976.2, NM_001130977.2); c.4089C>T, p.Gly1363= (NM_001130978.2, NM_003494.4); c.4182C>T, p.Gly1394= (NM_001130979.2); c.4140C>T, p.Gly1380= (NM_001130980.2, NM_001130981.2); c.4185C>T, p.Gly1395= (NM_001130982.2); c.4050C>T, p.Gly1350= (NM_001130984.2, NM_001130986.2); and 1 more.
Identifiers: ClinVar variation 287813 (VCV000287813.53), dbSNP rs145412880, ClinGen allele CA1706903.